The following is an entry in ClinVar:

ClinVar aggregate classification (germline): Uncertain significance (1 of 4 stars; one submission).

Submission:

Ambry Genetics
Classification: Uncertain significance. Last evaluated: 2024-06-21. Review status: criteria provided, single submitter. Criteria: Ambry Variant Classification Scheme 2023. Collection method: clinical testing. Allele origin: germline.
Comment: The p.T1029I variant (also known as c.3086C>T), located in coding exon 27 of the KIF1B gene, results from a C to T substitution at nucleotide position 3086. The threonine at codon 1029 is replaced by isoleucine, an amino acid with similar properties. This amino acid position is conserved. In addition, this alteration is predicted to be tolerated by in silico analysis. Based on the available evidence, the clinical significance of this variant remains unclear.

NM_001365951.3(KIF1B):c.3224C>T (p.Thr1075Ile)

Gene: KIF1B (kinesin family member 1B; plus strand). Cytogenetic location: 1p36.22.
Variant type: single nucleotide variant.
Coding change: c.3224C>T on transcript NM_001365951.3 (MANE Select); coding-DNA position 3224, C replaced by T.
Protein change: p.Thr1075Ile; replaces threonine 1075 with isoleucine.
Molecular consequence: missense variant.
Genome position (GRCh38, 1-based): chr1:10,337,168, C>T. VCF-style: chr1-10337168-C-T. GRCh37 (hg19) VCF-style: chr1-10397226-C-T.
Other names: c.3224C>T, p.Thr1075Ile (NM_001365952.1); c.3086C>T, p.Thr1029Ile (NM_015074.3); short protein forms T1075I, T1029I.
Identifiers: ClinVar variation 3288486 (VCV003288486.1).